The following is an entry in ClinVar:

ClinVar aggregate classification (germline): Conflicting classifications of pathogenicity. Review status: criteria provided, conflicting classifications (1 of 4 stars). 3 submissions from 3 submitters: Uncertain significance (2); Likely benign (1). Last evaluated 2025-12-22.

Conditions:
Parkinsonism-dystonia, infantile. Identifiers: Orphanet 238455, MedGen C2751067, MONDO:0013150.

Allele frequency attached by ClinVar (database versions not stated): gnomAD exomes 0.00002 and 0.00006; 1000 Genomes Project 0.00020; 1000 Genomes Project 30x 0.00016; gnomAD 0.00026 and 0.00029; ESP Exome Variant Server 0.00031; TOPMed 0.00043; ExAC 0.00009.
gnomAD v4.1: 69 of 1,612,798 alleles (0.0043%); highest among the groups gnomAD compares: African/African-American, 0.083%; no homozygotes.

Submissions (3):

Labcorp Genetics (formerly Invitae), Labcorp
Classification: Likely benign for Parkinsonism-dystonia, infantile. Last evaluated: 2025-12-22. Review status: criteria provided, single submitter. Criteria: Invitae Variant Classification Sherloc (09022015). Collection method: clinical testing. Allele origin: germline.

GeneDx
Classification: Uncertain significance. Last evaluated: 2025-12-18. Review status: criteria provided, single submitter. Criteria: GeneDx Variant Classification Process June 2021. Collection method: clinical testing. Allele origin: germline.
Comment: In silico analysis suggests that this missense variant does not alter protein structure/function; Has not been previously reported as pathogenic or benign in association with neurodevelopmental disorders to our knowledge; This variant is associated with the following publications: (PMID: 24332984)

Mayo Clinic Laboratories, Mayo Clinic
Classification: Uncertain significance. Last evaluated: 2025-05-19. Review status: criteria provided, single submitter. Criteria: ACMG Guidelines, 2015. Collection method: clinical testing. Allele origin: germline. Observed: 1 variant allele.

NM_001044.5(SLC6A3):c.1118A>G (p.Gln373Arg)

Gene: SLC6A3 (solute carrier family 6 member 3). Cytogenetic location: 5p15.33.
Variant type: single nucleotide variant.
Coding change: c.1118A>G on transcript NM_001044.5 (MANE Select); coding-DNA position 1118, A replaced by G.
Protein change: p.Gln373Arg; replaces glutamine 373 with arginine.
Molecular consequence: missense variant.
Genome position (GRCh38, 1-based): chr5:1,414,729, T>C on the plus strand (A>G on the coding strand, the complement: SLC6A3 is on the minus strand). VCF-style: chr5-1414729-T-C. GRCh37 (hg19) VCF-style: chr5-1414844-T-C.
Other names: p.Gln373Arg; short protein forms Q373R.
Identifiers: ClinVar variation 641958 (VCV000641958.14), dbSNP rs115282473, ClinGen allele CA3186152.